The following is an entry in ClinVar:

ClinVar aggregate classification (germline): Likely benign. Review status: criteria provided, multiple submitters, no conflicts (2 of 4 stars). 2 submissions from 2 submitters: Likely benign (2). Last evaluated 2023-02-01.

Allele frequency attached by ClinVar (database versions not stated): 1000 Genomes Project 30x 0.00047; 1000 Genomes Project 0.00060; ESP Exome Variant Server 0.00076; gnomAD 0.00080; TOPMed 0.00119.
gnomAD v4.1: 2,197 of 1,613,362 alleles (0.14%); highest among the groups gnomAD compares: Admixed American, 0.2%; 3 homozygotes.

Submissions (2):

CeGaT Center for Human Genetics Tuebingen
Classification: Likely benign. Last evaluated: 2023-02-01. Review status: criteria provided, single submitter. Criteria: CeGaT Center For Human Genetics Tuebingen Variant Classification Criteria Version 2. Collection method: clinical testing. Allele origin: germline. Affected: yes. Observed: 3 variant alleles.
Comment: CMYA5: BP4, BP7

Labcorp Genetics (formerly Invitae), Labcorp
Classification: Likely benign. Last evaluated: 2017-11-15. Review status: criteria provided, single submitter. Criteria: Invitae Variant Classification Sherloc (09022015). Collection method: clinical testing. Allele origin: germline.

NM_153610.5(CMYA5):c.5175G>T (p.Ser1725=)

Gene: CMYA5 (cardiomyopathy associated 5; plus strand). Cytogenetic location: 5q14.1.
Variant type: single nucleotide variant.
Coding change: c.5175G>T on transcript NM_153610.5 (MANE Select); coding-DNA position 5175, G replaced by T.
Protein change: p.Ser1725=; no amino-acid change (serine 1725 retained).
Molecular consequence: synonymous variant.
Genome position (GRCh38, 1-based): chr5:79,733,940, G>T. VCF-style: chr5-79733940-G-T. GRCh37 (hg19) VCF-style: chr5-79029763-G-T.
Identifiers: ClinVar variation 786406 (VCV000786406.27), dbSNP rs151112453, ClinGen allele CA3322070.